The following is an entry in ClinVar:

NM_021120.4(DLG3):c.94G>A (p.Asp32Asn)

Gene: DLG3 (discs large MAGUK scaffold protein 3; plus strand). Cytogenetic location: Xq13.1.
Variant type: single nucleotide variant.
Coding change: c.94G>A on transcript NM_021120.4 (MANE Select); coding-DNA position 94, G replaced by A.
Protein change: p.Asp32Asn; replaces aspartic acid 32 with asparagine.
Molecular consequence: missense variant.
Genome position (GRCh38, 1-based): chrX:70,445,295, G>A. VCF-style: chrX-70445295-G-A. GRCh37 (hg19) VCF-style: chrX-69665145-G-A.
Other names: c.94G>A (NM_021120.2); short protein forms D32N.
Identifiers: ClinVar variation 1338251 (VCV001338251.5), dbSNP rs1373830243, ClinGen allele CA413490308.

ClinVar aggregate classification (germline): Uncertain significance. Review status: criteria provided, multiple submitters, no conflicts (2 of 4 stars). 2 submissions from 2 submitters: Uncertain significance (2). Last evaluated 2026-02-20.

Allele frequency attached by ClinVar (database versions not stated): TOPMed below 0.00001; gnomAD exomes 0.00001.

Submissions (2):

GeneDx
Classification: Uncertain significance. Last evaluated: 2026-02-20. Review status: criteria provided, single submitter. Criteria: GeneDx Variant Classification Process June 2021. Collection method: clinical testing. Allele origin: germline.
Comment: In silico analysis suggests that this missense variant does not alter protein structure/function; Has not been previously published as pathogenic or benign to our knowledge

Genetic Services Laboratory, University of Chicago
Classification: Uncertain significance. Last evaluated: 2017-08-25. Review status: criteria provided, single submitter. Criteria: ACMG Guidelines, 2015. Collection method: clinical testing. Allele origin: germline. Affected: no.